The following is an entry in ClinVar:

NM_014476.6(PDLIM3):c.906-2A>G

Gene: PDLIM3 (PDZ and LIM domain 3; minus strand). Cytogenetic location: 4q35.1.
Variant type: single nucleotide variant.
Coding change: c.906-2A>G on transcript NM_014476.6 (MANE Select); the canonical splice acceptor site of the intron before coding-DNA position 906, A replaced by G.
Molecular consequence: splice acceptor variant.
Genome position (GRCh38, 1-based): chr4:185,502,485, T>C on the plus strand (A>G on the coding strand, the complement: PDLIM3 is on the minus strand). VCF-style: chr4-185502485-T-C. GRCh37 (hg19) VCF-style: chr4-186423639-T-C.
Other names: c.405-2A>G (NM_001257963.2); c.642-2A>G (NM_001257962.2); c.762-2A>G (NM_001114107.5).
Identifiers: ClinVar variation 2935786 (VCV002935786.3), dbSNP rs1226939307, ClinGen allele CA358919948.

ClinVar aggregate classification (germline): Uncertain significance (1 of 4 stars; one submission).

Conditions:
Primary dilated cardiomyopathy (DCM). Also called: Dilated Cardiomyopathy. Identifiers: Orphanet 217604, MedGen C0007193, MeSH D002311, MONDO:0005021, HP:0001644. Inheritance: Various modes of inheritance.
Hypertrophic cardiomyopathy. Also called: HYPERTROPHIC MYOCARDIOPATHY. Identifiers: Orphanet 217569, MedGen C0007194, MeSH D002312, MONDO:0005045, HP:0001639.

Allele frequency attached by ClinVar (database versions not stated): TOPMed below 0.00001; gnomAD 0.00001.
gnomAD v4.1: 1 of 1,613,868 alleles (0.000062%); highest among the groups gnomAD compares: Admixed American, 0.0017%; no homozygotes.

Submission:

Labcorp Genetics (formerly Invitae), Labcorp
Classification: Uncertain significance for Hypertrophic cardiomyopathy; Primary dilated cardiomyopathy. Last evaluated: 2023-10-08. Review status: criteria provided, single submitter. Criteria: Invitae Variant Classification Sherloc (09022015). Collection method: clinical testing. Allele origin: germline.
Comment: This sequence change falls in intron 7 of the PDLIM3 gene. It does not directly change the encoded amino acid sequence of the PDLIM3 protein. It affects a nucleotide within the consensus splice site. This variant is not present in population databases (gnomAD no frequency). This variant has been observed in individual(s) with dilated cardiomyopathy (PMID: 33996946). Variants that disrupt the consensus splice site are a relatively common cause of aberrant splicing (PMID: 17576681, 9536098). Algorithms developed to predict the effect of sequence changes on RNA splicing suggest that this variant may disrupt the consensus splice site. In summary, the available evidence is currently insufficient to determine the role of this variant in disease. Therefore, it has been classified as a Variant of Uncertain Significance.

Literature cited by the submitters: PubMed 33996946; PubMed 17576681; PubMed 9536098.